The following is an entry in ClinVar:

NM_001134665.3(TRMT10A):c.875A>G (p.Asn292Ser)

Gene: TRMT10A (tRNA methyltransferase 10A; minus strand). Cytogenetic location: 4q23.
Variant type: single nucleotide variant.
Coding change: c.875A>G on transcript NM_001134665.3 (MANE Select); coding-DNA position 875, A replaced by G.
Protein change: p.Asn292Ser; replaces asparagine 292 with serine.
Molecular consequence: missense variant.
Genome position (GRCh38, 1-based): chr4:99,549,233, T>C on the plus strand (A>G on the coding strand, the complement: TRMT10A is on the minus strand). VCF-style: chr4-99549233-T-C. GRCh37 (hg19) VCF-style: chr4-100470390-T-C.
Other names: c.875A>G, p.Asn292Ser (NM_001134666.3, NM_001375880.1, NM_001375881.1 and 1 more transcripts); c.854A>G, p.Asn285Ser (NM_001375882.1); short protein forms N292S, N285S.
Identifiers: ClinVar variation 2175892 (VCV002175892.4), dbSNP rs753267070, ClinGen allele CA3021404.
Genomic context (GRCh38, chr4:99,549,233, plus strand): 5'-CTATATTCCTCCTCACTGGAATCACTGTCCGATCCACCTTCCTCCATCCTGACAGACTGA[T>C]TGTCATGAGAAGCACTTTCACAGGCTTTGTCTGTGGGAACAGCTCCTTTCCGTTGGGGCA-3'
Protein context (NP_001128137.1, residues 282-302): DKACESASHD[Asn292Ser]QSVRMEEGGS

ClinVar aggregate classification (germline): Uncertain significance (1 of 4 stars; one submission).

Allele frequency attached by ClinVar (database versions not stated): gnomAD exomes 0.00001; TOPMed 0.00001; ExAC 0.00002.
gnomAD v4.1: 12 of 1,614,118 alleles (0.00074%); highest among the groups gnomAD compares: South Asian, 0.0022%; no homozygotes.

Submission:

Labcorp Genetics (formerly Invitae), Labcorp
Classification: Uncertain significance. Last evaluated: 2022-08-09. Review status: criteria provided, single submitter. Criteria: Invitae Variant Classification Sherloc (09022015). Collection method: clinical testing. Allele origin: germline.
Comment: This variant has not been reported in the literature in individuals affected with TRMT10A-related conditions. In summary, the available evidence is currently insufficient to determine the role of this variant in disease. Therefore, it has been classified as a Variant of Uncertain Significance. Algorithms developed to predict the effect of missense changes on protein structure and function output the following: SIFT: "Tolerated"; PolyPhen-2: "Benign"; Align-GVGD: "Class C0". The serine amino acid residue is found in multiple mammalian species, which suggests that this missense change does not adversely affect protein function. This variant is present in population databases (rs753267070, gnomAD 0.003%). This sequence change replaces asparagine, which is neutral and polar, with serine, which is neutral and polar, at codon 292 of the TRMT10A protein (p.Asn292Ser).